The following is an entry in ClinVar:

NM_003919.3(SGCE):c.1060C>T (p.Pro354Ser)

Genes: CASD1 (CAS1 domain sialic acid O acetyltransferase 1; plus strand), SGCE (sarcoglycan epsilon; minus strand). Cytogenetic location: 7q21.3.
Variant type: single nucleotide variant.
Coding change: c.1060C>T on transcript NM_003919.3 (MANE Select); coding-DNA position 1060, C replaced by T.
Protein change: p.Pro354Ser; replaces proline 354 with serine.
Molecular consequence: missense variant. On other transcripts: intron variant (6).
Genome position (GRCh38, 1-based): chr7:94,599,701, G>A on the plus strand (C>T on the coding strand, the complement: SGCE is on the minus strand). VCF-style: chr7-94599701-G-A. GRCh37 (hg19) VCF-style: chr7-94229013-G-A.
Other names: c.1060C>T, p.Pro354Ser (NM_001099401.2); c.937C>T, p.Pro313Ser (NM_001301139.2); c.1168C>T, p.Pro390Ser (NM_001346713.2); c.973C>T, p.Pro325Ser (NM_001346719.2); c.787C>T, p.Pro263Ser (NM_001346720.2); c.915-738C>T (NM_001362809.2); c.1038-738C>T (NM_001346717.2, NM_001099400.2); c.1146-738C>T (NM_001346715.2); and 2 more; short protein forms P354S, P263S, P313S, P325S, P390S.
Identifiers: ClinVar variation 464150 (VCV000464150.9), dbSNP rs983156830, ClinGen allele CA162921140.

ClinVar aggregate classification (germline): Uncertain significance. Review status: criteria provided, multiple submitters, no conflicts (2 of 4 stars). 2 submissions from 2 submitters: Uncertain significance (2). Last evaluated 2024-09-05.

Conditions:
Myoclonic dystonia 11 (DYT11). Also called: DYT-SGCE; Myoclonic dystonia; Dystonia 11; Dystonia, alcohol responsive; Hereditary essential myoclonus; SGCE Myoclonus-Dystonia. Identifiers: Orphanet 36899, MedGen C1834570, MONDO:0008044, OMIM 159900.

Allele frequency attached by ClinVar (database versions not stated): gnomAD exomes 0.00002 and 0.00004; gnomAD 0.00003 and 0.00004; TOPMed 0.00003.
gnomAD v4.1: 65 of 1,609,384 alleles (0.004%); highest among the groups gnomAD compares: Admixed American, 0.01%; no homozygotes.

Submissions (2):

Labcorp Genetics (formerly Invitae), Labcorp
Classification: Uncertain significance for Myoclonic dystonia 11. Last evaluated: 2024-09-05. Review status: criteria provided, single submitter. Criteria: Invitae Variant Classification Sherloc (09022015). Collection method: clinical testing. Allele origin: germline.
Comment: This sequence change replaces proline, which is neutral and non-polar, with serine, which is neutral and polar, at codon 354 of the SGCE protein (p.Pro354Ser). This variant is present in population databases (no rsID available, gnomAD 0.01%). This variant has not been reported in the literature in individuals affected with SGCE-related conditions. ClinVar contains an entry for this variant (Variation ID: 464150). Invitae Evidence Modeling of protein sequence and biophysical properties (such as structural, functional, and spatial information, amino acid conservation, physicochemical variation, residue mobility, and thermodynamic stability) indicates that this missense variant is not expected to disrupt SGCE protein function with a negative predictive value of 80%. In summary, the available evidence is currently insufficient to determine the role of this variant in disease. Therefore, it has been classified as a Variant of Uncertain Significance.

Fulgent Genetics
Classification: Uncertain significance for Myoclonic dystonia 11. Last evaluated: 2024-04-11. Review status: criteria provided, single submitter. Criteria: ACMG Guidelines, 2015. Collection method: clinical testing. Allele origin: germline.